The following is an entry in ClinVar:

ClinVar aggregate classification (germline): Uncertain significance. Review status: criteria provided, single submitter (1 of 4 stars). 2 submissions from 2 submitters: Uncertain significance (1). 1 of the submissions does not count toward it. Last evaluated 2022-03-21.

Conditions:
Sandhoff disease. Also called: GM2-GANGLIOSIDOSIS, TYPE II; HEXOSAMINIDASES A AND B DEFICIENCY; Beta-hexosaminidase-beta-subunit deficiency; GM2 gangliosidosis, type 2; Total hexosaminidase deficiency; Sandhoff-Jatzkewitz-Pilz disease. Identifiers: Orphanet 796, MedGen C0036161, MONDO:0010006, OMIM 268800.

Allele frequency attached by ClinVar (database versions not stated): gnomAD exomes below 0.00001.
gnomAD v4.1: 1 of 1,608,906 alleles (0.000062%); highest among the groups gnomAD compares: Admixed American, 0.0017%; no homozygotes.

Submissions (2):

Labcorp Genetics (formerly Invitae), Labcorp
Classification: Uncertain significance for Sandhoff disease. Last evaluated: 2022-03-21. Review status: criteria provided, single submitter. Criteria: Invitae Variant Classification Sherloc (09022015). Collection method: clinical testing. Allele origin: germline.
Comment: This sequence change replaces leucine, which is neutral and non-polar, with phenylalanine, which is neutral and non-polar, at codon 351 of the HEXB protein (p.Leu351Phe). This variant is present in population databases (no rsID available, gnomAD 0.003%). This variant has not been reported in the literature in individuals affected with HEXB-related conditions. Advanced modeling of protein sequence and biophysical properties (such as structural, functional, and spatial information, amino acid conservation, physicochemical variation, residue mobility, and thermodynamic stability) performed at Invitae indicates that this missense variant is expected to disrupt HEXB protein function. In summary, the available evidence is currently insufficient to determine the role of this variant in disease. Therefore, it has been classified as a Variant of Uncertain Significance.

Natera, Inc.
Classification: Uncertain significance for Sandhoff disease. Last evaluated: 2025-05-01. Review status: no assertion criteria provided. Collection method: clinical testing. Allele origin: germline. Not counted in ClinVar's aggregate classification.

NM_000521.4(HEXB):c.1053G>C (p.Leu351Phe)

Gene: HEXB (hexosaminidase subunit beta; plus strand). Cytogenetic location: 5q13.3.
Variant type: single nucleotide variant.
Coding change: c.1053G>C on transcript NM_000521.4 (MANE Select); coding-DNA position 1053, G replaced by C.
Protein change: p.Leu351Phe; replaces leucine 351 with phenylalanine.
Molecular consequence: missense variant.
Genome position (GRCh38, 1-based): chr5:74,715,661, G>C. VCF-style: chr5-74715661-G-C. GRCh37 (hg19) VCF-style: chr5-74011486-G-C.
Other names: c.1053G>C (NM_000521.3); c.378G>C, p.Leu126Phe (NM_001292004.2); short protein forms L351F, L126F.
Identifiers: ClinVar variation 2115559 (VCV002115559.2), dbSNP rs1561226729, ClinGen allele CA360068843.